The following is an entry in ClinVar:

ClinVar aggregate classification (germline): Uncertain significance (1 of 4 stars; one submission).

gnomAD v4.1: 1 of 1,614,114 alleles (0.000062%); highest among the groups gnomAD compares: Admixed American, 0.0017%; no homozygotes.

Submission:

Labcorp Genetics (formerly Invitae), Labcorp
Classification: Uncertain significance. Last evaluated: 2024-04-25. Review status: criteria provided, single submitter. Criteria: Invitae Variant Classification Sherloc (09022015). Collection method: clinical testing. Allele origin: germline.
Comment: This sequence change replaces asparagine, which is neutral and polar, with aspartic acid, which is acidic and polar, at codon 452 of the CACNA1D protein (p.Asn452Asp). This variant is present in population databases (rs760504266, gnomAD 0.004%). This variant has not been reported in the literature in individuals affected with CACNA1D-related conditions. Advanced modeling of protein sequence and biophysical properties (such as structural, functional, and spatial information, amino acid conservation, physicochemical variation, residue mobility, and thermodynamic stability) performed at Invitae indicates that this missense variant is not expected to disrupt CACNA1D protein function with a negative predictive value of 80%. In summary, the available evidence is currently insufficient to determine the role of this variant in disease. Therefore, it has been classified as a Variant of Uncertain Significance.

NM_001128840.3(CACNA1D):c.1354A>G (p.Asn452Asp)

Gene: CACNA1D (calcium voltage-gated channel subunit alpha1 D; plus strand). Cytogenetic location: 3p21.1.
Variant type: single nucleotide variant.
Coding change: c.1354A>G on transcript NM_001128840.3 (MANE Select); coding-DNA position 1354, A replaced by G.
Protein change: p.Asn452Asp; replaces asparagine 452 with aspartic acid.
Molecular consequence: missense variant.
Genome position (GRCh38, 1-based): chr3:53,702,774, A>G. VCF-style: chr3-53702774-A-G. GRCh37 (hg19) VCF-style: chr3-53736801-A-G.
Other names: c.1354A>G, p.Asn452Asp (NM_000720.4, NM_001128839.3); short protein forms N452D.
Identifiers: ClinVar variation 3682496 (VCV003682496.2).